The following is an entry in ClinVar:

ClinVar aggregate classification (germline): Uncertain significance (1 of 4 stars; one submission).

Conditions:
Spastic paraplegia. Identifiers: MedGen C0037772, HP:0001258.

Submission:

Labcorp Genetics (formerly Invitae), Labcorp
Classification: Uncertain significance for Spastic paraplegia. Last evaluated: 2022-07-03. Review status: criteria provided, single submitter. Criteria: Invitae Variant Classification Sherloc (09022015). Collection method: clinical testing. Allele origin: germline.
Comment: This sequence change replaces leucine, which is neutral and non-polar, with phenylalanine, which is neutral and non-polar, at codon 2074 of the ZFYVE26 protein (p.Leu2074Phe). In summary, the available evidence is currently insufficient to determine the role of this variant in disease. Therefore, it has been classified as a Variant of Uncertain Significance. Algorithms developed to predict the effect of missense changes on protein structure and function are either unavailable or do not agree on the potential impact of this missense change (SIFT: "Deleterious"; PolyPhen-2: "Probably Damaging"; Align-GVGD: "Class C0"). This variant has not been reported in the literature in individuals affected with ZFYVE26-related conditions. This variant is not present in population databases (gnomAD no frequency).

NM_015346.4(ZFYVE26):c.6220C>T (p.Leu2074Phe)

Gene: ZFYVE26 (zinc finger FYVE-type containing 26; minus strand). Cytogenetic location: 14q24.1.
Variant type: single nucleotide variant.
Coding change: c.6220C>T on transcript NM_015346.4 (MANE Select); coding-DNA position 6220, C replaced by T.
Protein change: p.Leu2074Phe; replaces leucine 2074 with phenylalanine.
Molecular consequence: missense variant.
Genome position (GRCh38, 1-based): chr14:67,762,352, G>A on the plus strand (C>T on the coding strand, the complement: ZFYVE26 is on the minus strand). VCF-style: chr14-67762352-G-A. GRCh37 (hg19) VCF-style: chr14-68229069-G-A.
Other names: short protein forms L2074F.
Identifiers: ClinVar variation 2047816 (VCV002047816.4), dbSNP rs2503967641, ClinGen allele CA390164188.